The following is an entry in ClinVar:

NM_000548.5(TSC2):c.975+13C>T

Gene: TSC2 (TSC complex subunit 2; plus strand). Cytogenetic location: 16p13.3.
Variant type: single nucleotide variant.
Coding change: c.975+13C>T on transcript NM_000548.5 (MANE Select); 13 bases into the intron after coding-DNA position 975, C replaced by T.
Molecular consequence: intron variant.
Genome position (GRCh38, 1-based): chr16:2,058,886, C>T. VCF-style: chr16-2058886-C-T. GRCh37 (hg19) VCF-style: chr16-2108887-C-T.
Other names: c.975+13C>T (NM_001114382.3, NM_021055.3, NM_001370405.1 and 3 more transcripts); c.864+13C>T (NM_001318827.2); c.375+13C>T (NM_001318831.2); c.828+13C>T (NM_001318829.2); c.1008+13C>T (NM_001318832.2).
Identifiers: ClinVar variation 64946 (VCV000064946.25), dbSNP rs200564575, ClinGen allele CA023198.
Genomic context (GRCh38, chr16:2,058,886, plus strand): 5'-TATTCTCTCAGGAACTCGCCGACATCTGTGTTGCCATCATTTTACCAGGTAAGGCGGTTT[C>T]TGTGTGCAGTGAGCTGGCAGGAACGGGAGAGCTCCCCTCACGCCTGCCCACCCATCCCAC-3'

ClinVar aggregate classification (germline): Benign/Likely benign. Review status: criteria provided, multiple submitters, no conflicts (2 of 4 stars). 12 submissions from 12 submitters: Benign (4); Likely benign (4). 4 of the submissions do not count toward it. Last evaluated 2026-01-31.

Conditions:
Hereditary cancer-predisposing syndrome. Also called: Tumor predisposition; Neoplastic Syndromes, Hereditary; Hereditary neoplastic syndrome; Hereditary Cancer Syndrome. Identifiers: Orphanet 140162, MedGen C0027672, MeSH D009386, MONDO:0015356.
Tuberous sclerosis syndrome (TSC). Also called: Tuberous Sclerosis Complex; Tuberous sclerosis. Identifiers: Orphanet 805, MedGen C0041341, MONDO:0001734.
Tuberous sclerosis 2 (TSC2). Identifiers: Orphanet 805, MedGen C1860707, MONDO:0013199, OMIM 613254.

Allele frequency attached by ClinVar (database versions not stated): 1000 Genomes Project 30x 0.00016; 1000 Genomes Project 0.00020; TOPMed 0.00027; ESP Exome Variant Server 0.00046; gnomAD exomes 0.00046; gnomAD 0.00048 and 0.00051; ExAC 0.00051.
gnomAD v4.1: 951 of 1,605,668 alleles (0.059%); highest among the groups gnomAD compares: Non-Finnish European, 0.067%; 1 homozygote.

Submissions (12):

Labcorp Genetics (formerly Invitae), Labcorp
Classification: Benign for Tuberous sclerosis 2. Last evaluated: 2026-01-31. Review status: criteria provided, single submitter. Criteria: Invitae Variant Classification Sherloc (09022015). Collection method: clinical testing. Allele origin: germline.

Blueprint Genetics
Classification: Likely benign. Last evaluated: 2024-11-15. Review status: criteria provided, single submitter. Criteria: ACMG Guidelines, 2015. Collection method: clinical testing. Allele origin: germline.

ARUP Laboratories, Molecular Genetics and Genomics, ARUP Laboratories
Classification: Benign. Last evaluated: 2024-03-14. Review status: criteria provided, single submitter. Criteria: ARUP Molecular Germline Variant Investigation Process 2024. Collection method: clinical testing. Allele origin: germline.

Genome-Nilou Lab
Classification: Benign for Tuberous sclerosis 2. Last evaluated: 2021-11-07. Review status: criteria provided, single submitter. Criteria: ACMG Guidelines, 2015. Collection method: clinical testing. Allele origin: germline. Affected: no.

Sema4
Classification: Benign for Hereditary cancer-predisposing syndrome. Last evaluated: 2021-06-27. Review status: criteria provided, single submitter. Criteria: Sema4 Curation Guidelines. Collection method: curation. Allele origin: germline.

Illumina Laboratory Services, Illumina
Classification: Likely benign for Tuberous sclerosis syndrome. Last evaluated: 2018-01-13. Review status: criteria provided, single submitter. Criteria: ICSL Variant Classification Criteria 13 December 2019. Collection method: clinical testing. Allele origin: germline.
Comment: This variant was observed in the ICSL laboratory as part of a predisposition screen in an ostensibly healthy population. It had not been previously curated by ICSL or reported in the Human Gene Mutation Database (HGMD: prior to June 1st, 2018), and was therefore a candidate for classification through an automated scoring system. Utilizing variant allele frequency, disease prevalence and penetrance estimates, and inheritance mode, an automated score was calculated to assess if this variant is too frequent to cause the disease. Based on the score and internal cut-off values, a variant classified as likely benign is not then subjected to further curation. The score for this variant resulted in a classification of likely benign for this disease.

GeneDx
Classification: Likely benign. Last evaluated: 2017-06-08. Review status: criteria provided, single submitter. Criteria: GeneDx Variant Classification (06012015). Collection method: clinical testing. Allele origin: germline. Affected: yes.
Comment: This variant is considered likely benign or benign based on one or more of the following criteria: it is a conservative change, it occurs at a poorly conserved position in the protein, it is predicted to be benign by multiple in silico algorithms, and/or has population frequency not consistent with disease.

PreventionGenetics, part of Exact Sciences
Classification: Likely benign. Review status: criteria provided, single submitter. Criteria: ACMG Guidelines, 2015. Collection method: clinical testing. Allele origin: germline.

Clinical Genetics DNA and cytogenetics Diagnostics Lab, Erasmus MC, Erasmus Medical Center
Classification: Benign. Review status: no assertion criteria provided. Collection method: clinical testing. Allele origin: germline. Affected: yes. Study: VKGL Data-share Consensus. Not counted in ClinVar's aggregate classification.

Clinical Genetics, Academic Medical Center
Classification: Likely benign. Review status: no assertion criteria provided. Collection method: clinical testing. Allele origin: germline. Affected: yes. Study: VKGL Data-share Consensus. Not counted in ClinVar's aggregate classification.

Diagnostic Laboratory, Department of Genetics, University Medical Center Groningen
Classification: Likely benign. Review status: no assertion criteria provided. Collection method: clinical testing. Allele origin: germline. Affected: yes. Study: VKGL Data-share Consensus. Not counted in ClinVar's aggregate classification.

Tuberous sclerosis database (TSC2)
No classification provided. Condition: TSC. Review status: no classification provided. Criteria: Tuberous Sclerosis Database Assertion Criteria 2015. Collection method: curation. Allele origin: germline. Affected: yes. Not counted in ClinVar's aggregate classification.